The following is an entry in ClinVar:

ClinVar aggregate classification (germline): Conflicting classifications of pathogenicity. Review status: criteria provided, conflicting classifications (1 of 4 stars). 2 submissions from 2 submitters: Uncertain significance (1); Likely benign (1). Last evaluated 2025-04-30.

Conditions:
Hereditary cancer-predisposing syndrome. Also called: Hereditary Cancer Syndrome; Hereditary neoplastic syndrome; Neoplastic Syndromes, Hereditary; Tumor predisposition. Identifiers: Orphanet 140162, MedGen C0027672, MeSH D009386, MONDO:0015356.
Hereditary nonpolyposis colorectal neoplasms. Identifiers: MedGen C0009405, MeSH D003123.

Submissions (2):

Labcorp Genetics (formerly Invitae), Labcorp
Classification: Uncertain significance for Hereditary nonpolyposis colorectal neoplasms. Last evaluated: 2025-04-30. Review status: criteria provided, single submitter. Criteria: Invitae Variant Classification Sherloc (09022015). Collection method: clinical testing. Allele origin: germline.
Comment: This sequence change replaces alanine, which is neutral and non-polar, with serine, which is neutral and polar, at codon 521 of the PMS2 protein (p.Ala521Ser). This variant is not present in population databases (gnomAD no frequency). This variant has not been reported in the literature in individuals affected with PMS2-related conditions. ClinVar contains an entry for this variant (Variation ID: 1775279). Invitae Evidence Modeling incorporating data from in vitro experimental studies (internal data) indicates that this missense variant is not expected to disrupt PMS2 function with a negative predictive value of 95%. In summary, the available evidence is currently insufficient to determine the role of this variant in disease. Therefore, it has been classified as a Variant of Uncertain Significance.

Ambry Genetics
Classification: Likely benign for Hereditary cancer-predisposing syndrome. Last evaluated: 2024-05-28. Review status: criteria provided, single submitter. Criteria: Ambry Variant Classification Scheme 2023. Collection method: clinical testing. Allele origin: germline.

NM_000535.7(PMS2):c.1561G>T (p.Ala521Ser)

Gene: PMS2 (PMS1 homolog 2, mismatch repair system component; minus strand). Cytogenetic location: 7p22.1.
Variant type: single nucleotide variant.
Coding change: c.1561G>T on transcript NM_000535.7 (MANE Select); coding-DNA position 1561, G replaced by T.
Protein change: p.Ala521Ser; replaces alanine 521 with serine.
Molecular consequence: missense variant. On other transcripts: non-coding transcript variant (1).
Genome position (GRCh38, 1-based): chr7:5,987,204, C>A on the plus strand (G>T on the coding strand, the complement: PMS2 is on the minus strand). VCF-style: chr7-5987204-C-A. GRCh37 (hg19) VCF-style: chr7-6026835-C-A.
Other names: c.1156G>T, p.Ala386Ser (NM_001018040.1, NM_001322003.2, NM_001322004.2 and 17 more transcripts); c.1405G>T, p.Ala469Ser (NM_001322006.2, NM_001406870.1); c.1243G>T, p.Ala415Ser (NM_001322007.2, NM_001322008.2, NM_001406876.1 and 2 more transcripts); c.1000G>T, p.Ala334Ser (NM_001322010.2, NM_001406906.1, NM_001406907.1); c.628G>T, p.Ala210Ser (NM_001322011.2, NM_001322012.2); c.988G>T, p.Ala330Ser (NM_001322013.2, NM_001406909.1); c.1561G>T, p.Ala521Ser (NM_001322014.2, NM_001406871.1, NM_001406872.1); c.1252G>T, p.Ala418Ser (NM_001322015.2, NM_001406875.1, NM_001406877.1 and 5 more transcripts); and 12 more; short protein forms A399S, A409S, A465S, A521S, A529S, A583S, A210S, A363S.
Identifiers: ClinVar variation 1775279 (VCV001775279.9), dbSNP rs1164227556, ClinGen allele CA366741585.
Genomic context (GRCh38, chr7:5,987,204, plus strand): 5'-TAGGCGCTTTCTCCTGAGAGTCCACATGTTCCTGCGAGCCCCTGTCCCCTGGGGAGCTGG[C>A]CGCATACTCGCTGCTGCAGTGACTGCCCGTGTCTGGGATGCTGAACCCCTCAGAATCCAC-3'
Protein context (NP_000526.2, residues 511-531): TGSHCSSEYA[Ala521Ser]SSPGDRGSQE